The following is an entry in ClinVar:

ClinVar aggregate classification (germline): Pathogenic (1 of 4 stars; one submission).

Submission:

ISCA Site 6
Classification: Pathogenic. Last evaluated: 2011-08-12. Review status: criteria provided, single submitter. Criteria: Kaminsky et al. (Genet Med. 2011). Collection method: clinical testing. Allele origin: de novo, unknown. Affected: yes. Observed: 2 variant alleles.
Comment: Copy number variation identified through the course of routine clinical cytogenomic testing in postnatal populations. Clinical assertions have been curated as described in Kaminsky et al. 2011.

GRCh38/hg38 17p13.3(chr17:1325809-1638055)x3

Genes: CRK (CRK proto-oncogene, adaptor protein; minus strand), CRK-AS1 (CRK antisense RNA 1; plus strand), INPP5K (inositol polyphosphate-5-phosphatase K; minus strand), MYO1C (myosin IC; minus strand), PITPNA (phosphatidylinositol transfer protein alpha; minus strand) and 21 more. Cytogenetic location: 17p13.3.
Variant type: copy number gain.
Change: copy number 3 (three copies instead of two) of chr17:1,325,809-1,638,055 (312.2 kb, GRCh38 coordinates, 1-based), cytogenetic band 17p13.3.
Identifiers: ClinVar variation 58672 (VCV000058672.2).